The following is an entry in ClinVar:

ClinVar aggregate classification (germline): Uncertain significance (1 of 4 stars; one submission).

Conditions:
Hereditary cancer-predisposing syndrome. Also called: Neoplastic Syndromes, Hereditary; Tumor predisposition; Hereditary neoplastic syndrome; Hereditary Cancer Syndrome. Identifiers: Orphanet 140162, MedGen C0027672, MeSH D009386, MONDO:0015356.

Submission:

Ambry Genetics
Classification: Uncertain significance for Hereditary cancer-predisposing syndrome. Last evaluated: 2023-11-05. Review status: criteria provided, single submitter. Criteria: Ambry Variant Classification Scheme 2023. Collection method: clinical testing. Allele origin: germline.
Comment: The p.T889S variant (also known as c.2666C>G), located in coding exon 7 of the PALB2 gene, results from a C to G substitution at nucleotide position 2666. The threonine at codon 889 is replaced by serine, an amino acid with similar properties. This amino acid position is conserved. In addition, this alteration is predicted to be tolerated by in silico analysis. Since supporting evidence is limited at this time, the clinical significance of this alteration remains unclear.

NM_024675.4(PALB2):c.2666C>G (p.Thr889Ser)

Gene: PALB2 (partner and localizer of BRCA2; minus strand). Cytogenetic location: 16p12.2.
Variant type: single nucleotide variant.
Coding change: c.2666C>G on transcript NM_024675.4 (MANE Select); coding-DNA position 2666, C replaced by G.
Protein change: p.Thr889Ser; replaces threonine 889 with serine.
Molecular consequence: missense variant. On other transcripts: intron variant (3).
Genome position (GRCh38, 1-based): chr16:23,626,318, G>C on the plus strand (C>G on the coding strand, the complement: PALB2 is on the minus strand). VCF-style: chr16-23626318-G-C. GRCh37 (hg19) VCF-style: chr16-23637639-G-C.
Other names: c.2606C>G, p.Thr869Ser (NM_001407296.1); c.2594C>G, p.Thr865Ser (NM_001407297.1); c.2666C>G, p.Thr889Ser (NM_001407299.1, NM_001407300.1, NM_001407301.1); c.1781C>G, p.Thr594Ser (NM_001407304.1, NM_001407305.1, NM_001407306.1 and 4 more transcripts); c.878C>G, p.Thr293Ser (NM_001407312.1, NM_001407313.1); c.200C>G, p.Thr67Ser (NM_001407314.1); c.2587-2224C>G (NM_001407302.1, NM_001407298.1); c.1702-2224C>G (NM_001407307.1); short protein forms T293S, T594S, T67S, T865S, T869S, T889S.
Identifiers: ClinVar variation 3228016 (VCV003228016.1), dbSNP rs2142354728, ClinGen allele CA395122065.